The following is an entry in ClinVar:

ClinVar aggregate classification (germline): Uncertain significance (1 of 4 stars; one submission).

Conditions:
Fanconi anemia complementation group Q. Identifiers: Orphanet 84, MedGen C3808988, MONDO:0014108, OMIM 615272.

Allele frequency attached by ClinVar (database versions not stated): gnomAD exomes below 0.00001 and 0.00001.
gnomAD v4.1: 2 of 1,604,544 alleles (0.00012%); highest among the groups gnomAD compares: Admixed American, 0.0017%; no homozygotes.

Submission:

Baylor Genetics
Classification: Uncertain significance for Fanconi anemia complementation group Q. Last evaluated: 2021-07-13. Review status: criteria provided, single submitter. Criteria: ACMG Guidelines, 2015. Collection method: clinical testing. Allele origin: unknown. Affected: yes. Study: CSER-TexasKidsCanSeq.
Comment: This variant was determined to be of uncertain significance according to ACMG Guidelines, 2015 [PMID:25741868].

NM_005236.3(ERCC4):c.127C>T (p.Arg43Trp)

Genes: ERCC4 (ERCC excision repair 4, endonuclease catalytic subunit; plus strand), LOC130058543 (ATAC-STARR-seq lymphoblastoid active region 10486; plus strand). Cytogenetic location: 16p13.12.
Variant type: single nucleotide variant.
Coding change: c.127C>T on transcript NM_005236.3 (MANE Select); coding-DNA position 127, C replaced by T.
Protein change: p.Arg43Trp; replaces arginine 43 with tryptophan.
Molecular consequence: missense variant.
Genome position (GRCh38, 1-based): chr16:13,920,292, C>T. VCF-style: chr16-13920292-C-T. GRCh37 (hg19) VCF-style: chr16-14014149-C-T.
Other names: short protein forms R43W.
Identifiers: ClinVar variation 1327065 (VCV001327065.1), dbSNP rs1234856735, ClinGen allele CA394816241.